The following is an entry in ClinVar:

ClinVar aggregate classification (germline): Uncertain significance (1 of 4 stars; one submission).

gnomAD v4.1: 14 of 1,548,490 alleles (0.0009%); highest among the groups gnomAD compares: Middle Eastern, 0.034%; no homozygotes.

Submission:

Labcorp Genetics (formerly Invitae), Labcorp
Classification: Uncertain significance. Last evaluated: 2024-05-13. Review status: criteria provided, single submitter. Criteria: Invitae Variant Classification Sherloc (09022015). Collection method: clinical testing. Allele origin: germline.
Comment: This sequence change replaces glutamic acid, which is acidic and polar, with alanine, which is neutral and non-polar, at codon 1494 of the PIEZO1 protein (p.Glu1494Ala). This variant is not present in population databases (gnomAD no frequency). This missense change has been observed in individual(s) with PIEZO1-related conditions (PMID: 34201899). Algorithms developed to predict the effect of missense changes on protein structure and function output the following: SIFT: "Not Available"; PolyPhen-2: "Benign"; Align-GVGD: "Not Available". The alanine amino acid residue is found in multiple mammalian species, which suggests that this missense change does not adversely affect protein function. In summary, the available evidence is currently insufficient to determine the role of this variant in disease. Therefore, it has been classified as a Variant of Uncertain Significance.

Literature cited by the submitters: PubMed 34201899.

NM_001142864.4(PIEZO1):c.4481A>C (p.Glu1494Ala)

Gene: PIEZO1 (piezo type mechanosensitive ion channel component 1 (Er blood group); minus strand). Cytogenetic location: 16q24.3.
Variant type: single nucleotide variant.
Coding change: c.4481A>C on transcript NM_001142864.4 (MANE Select); coding-DNA position 4481, A replaced by C.
Protein change: p.Glu1494Ala; replaces glutamic acid 1494 with alanine.
Molecular consequence: missense variant.
Genome position (GRCh38, 1-based): chr16:88,723,109, T>G on the plus strand (A>C on the coding strand, the complement: PIEZO1 is on the minus strand). VCF-style: chr16-88723109-T-G. GRCh37 (hg19) VCF-style: chr16-88789517-T-G.
Other names: short protein forms E1494A.
Identifiers: ClinVar variation 3622058 (VCV003622058.2).